The following is an entry in ClinVar:

ClinVar aggregate classification (germline): Uncertain significance (1 of 4 stars; one submission).

Allele frequency attached by ClinVar (database versions not stated): gnomAD exomes 0.00003; TOPMed 0.00003; ExAC 0.00004; gnomAD 0.00005.
gnomAD v4.1: 49 of 1,614,004 alleles (0.003%); highest among the groups gnomAD compares: African/African-American, 0.0053%; no homozygotes.

Submission:

Labcorp Genetics (formerly Invitae), Labcorp
Classification: Uncertain significance. Last evaluated: 2022-08-01. Review status: criteria provided, single submitter. Criteria: Invitae Variant Classification Sherloc (09022015). Collection method: clinical testing. Allele origin: germline.
Comment: This sequence change replaces arginine, which is basic and polar, with histidine, which is basic and polar, at codon 683 of the MAP3K20 protein (p.Arg683His). This variant is present in population databases (rs762829961, gnomAD 0.009%). This variant has not been reported in the literature in individuals affected with MAP3K20-related conditions. Experimental studies and prediction algorithms are not available or were not evaluated, and the functional significance of this variant is currently unknown. In summary, the available evidence is currently insufficient to determine the role of this variant in disease. Therefore, it has been classified as a Variant of Uncertain Significance.

NM_016653.3(MAP3K20):c.2048G>A (p.Arg683His)

Genes: MAP3K20 (mitogen-activated protein kinase kinase kinase 20; plus strand), MAP3K20-AS1 (MAP3K20 antisense RNA 1; minus strand). Cytogenetic location: 2q31.1.
Variant type: single nucleotide variant.
Coding change: c.2048G>A on transcript NM_016653.3 (MANE Select); coding-DNA position 2048, G replaced by A.
Protein change: p.Arg683His; replaces arginine 683 with histidine.
Molecular consequence: missense variant.
Genome position (GRCh38, 1-based): chr2:173,266,395, G>A. VCF-style: chr2-173266395-G-A. GRCh37 (hg19) VCF-style: chr2-174131123-G-A.
Other names: short protein forms R683H.
Identifiers: ClinVar variation 2144452 (VCV002144452.1), dbSNP rs762829961, ClinGen allele CA1971024.